The following is an entry in ClinVar:

ClinVar aggregate classification (germline): Uncertain significance (1 of 4 stars; one submission).

Submission:

Women's Health and Genetics/Laboratory Corporation of America, LabCorp
Classification: Uncertain significance. Last evaluated: 2026-02-04. Review status: criteria provided, single submitter. Criteria: LabCorp Variant Classification Summary - May 2015. Collection method: clinical testing. Allele origin: germline.
Comment: Variant summary: RANBP2 c.3292A>G (p.Thr1098Ala) results in a non-conservative amino acid change in the encoded protein sequence. Algorithms developed to predict the effect of missense changes on protein structure and function are either unavailable or do not agree on the potential impact of this missense change. The variant was absent in 250568 control chromosomes. The available data on variant occurrences in the general population are insufficient to allow any conclusion about variant significance. To our knowledge, no occurrence of c.3292A>G in individuals affected with RANBP2-related conditions and no experimental evidence demonstrating its impact on protein function have been reported. ClinVar contains an entry for this variant (Variation ID: 3339226). Based on the evidence outlined above, the variant was classified as uncertain significance.

NM_006267.5(RANBP2):c.3292A>G (p.Thr1098Ala)

Gene: RANBP2 (RAN binding protein 2; plus strand). Cytogenetic location: 2q13.
Variant type: single nucleotide variant.
Coding change: c.3292A>G on transcript NM_006267.5 (MANE Select); coding-DNA position 3292, A replaced by G.
Protein change: p.Thr1098Ala; replaces threonine 1098 with alanine.
Molecular consequence: missense variant.
Genome position (GRCh38, 1-based): chr2:108,763,831, A>G. VCF-style: chr2-108763831-A-G. GRCh37 (hg19) VCF-style: chr2-109380287-A-G.
Other names: c.3292A>G, p.Thr1098Ala (NM_001415871.1, NM_001415873.1); c.3289A>G, p.Thr1097Ala (NM_001415872.1); short protein forms T1097A, T1098A.
Identifiers: ClinVar variation 3339226 (VCV003339226.2).